The following is an entry in ClinVar:

ClinVar aggregate classification (germline): Uncertain significance (1 of 4 stars; one submission).

Submission:

Labcorp Genetics (formerly Invitae), Labcorp
Classification: Uncertain significance. Last evaluated: 2022-08-22. Review status: criteria provided, single submitter. Criteria: Invitae Variant Classification Sherloc (09022015). Collection method: clinical testing. Allele origin: germline.
Comment: This variant is not present in population databases (gnomAD no frequency). In summary, the available evidence is currently insufficient to determine the role of this variant in disease. Therefore, it has been classified as a Variant of Uncertain Significance. Algorithms developed to predict the effect of missense changes on protein structure and function are either unavailable or do not agree on the potential impact of this missense change (SIFT: "Deleterious"; PolyPhen-2: "Possibly Damaging"; Align-GVGD: "Class C0"). This variant has not been reported in the literature in individuals affected with CAD-related conditions. This sequence change replaces histidine, which is basic and polar, with asparagine, which is neutral and polar, at codon 1481 of the CAD protein (p.His1481Asn).

NM_004341.5(CAD):c.4441C>A (p.His1481Asn)

Gene: CAD (carbamoyl-phosphate synthetase 2, aspartate transcarbamylase, and dihydroorotase; plus strand). Cytogenetic location: 2p23.3.
Variant type: single nucleotide variant.
Coding change: c.4441C>A on transcript NM_004341.5 (MANE Select); coding-DNA position 4441, C replaced by A.
Protein change: p.His1481Asn; replaces histidine 1481 with asparagine.
Molecular consequence: missense variant.
Genome position (GRCh38, 1-based): chr2:27,237,423, C>A. VCF-style: chr2-27237423-C-A. GRCh37 (hg19) VCF-style: chr2-27460291-C-A.
Other names: c.4252C>A, p.His1418Asn (NM_001306079.2); short protein forms H1481N, H1418N.
Identifiers: ClinVar variation 2102569 (VCV002102569.4), dbSNP rs2465345277, ClinGen allele CA346219771.